The following is an entry in ClinVar:

ClinVar aggregate classification (germline): Likely benign. Review status: criteria provided, multiple submitters, no conflicts (2 of 4 stars). 3 submissions from 3 submitters: Likely benign (3). Last evaluated 2026-04-21.

Conditions:
IFT140-related disorder. Also called: IFT140-related condition.
Saldino-Mainzer syndrome (SRTD9). Also called: Renal dysplasia, retinal pigmentary dystrophy, cerebellar ataxia and skeletal dysplasia; short-rib thoracic dysplasia 9 with or without polydactyly; CONORENAL SYNDROME; SHORT-RIB THORACIC DYSPLASIA 9 WITHOUT POLYDACTYLY. Identifiers: Orphanet 140969, MedGen C1849437, MONDO:0009964, OMIM 266920.

Allele frequency attached by ClinVar (database versions not stated): gnomAD exomes 0.00001; TOPMed 0.00001.
gnomAD v4.1: 13 of 1,614,236 alleles (0.00081%); highest among the groups gnomAD compares: Non-Finnish European, 0.0011%; no homozygotes.

Submissions (3):

PreventionGenetics, part of Exact Sciences
Classification: Likely benign for IFT140-related condition. Last evaluated: 2026-04-21. Review status: criteria provided, single submitter. Criteria: ACMG Guidelines, 2015. Collection method: clinical testing. Allele origin: germline.
Comment: This variant is classified as likely benign based on ACMG/AMP sequence variant interpretation guidelines (Richards et al. 2015 PMID: 25741868, with internal and published modifications).

Labcorp Genetics (formerly Invitae), Labcorp
Classification: Likely benign for Saldino-Mainzer syndrome. Last evaluated: 2024-12-04. Review status: criteria provided, single submitter. Criteria: Invitae Variant Classification Sherloc (09022015). Collection method: clinical testing. Allele origin: germline.

Blueprint Genetics
Classification: Likely benign. Last evaluated: 2022-08-05. Review status: criteria provided, single submitter. Criteria: ACMG Guidelines, 2015. Collection method: clinical testing. Allele origin: germline.

NM_014714.4(IFT140):c.456C>T (p.Leu152=)

Genes: IFT140 (intraflagellar transport 140; minus strand), LOC105371046 (uncharacterized LOC105371046; plus strand). Cytogenetic location: 16p13.3.
Variant type: single nucleotide variant.
Coding change: c.456C>T on transcript NM_014714.4 (MANE Select); coding-DNA position 456, C replaced by T.
Protein change: p.Leu152=; no amino-acid change (leucine 152 retained).
Molecular consequence: synonymous variant.
Genome position (GRCh38, 1-based): chr16:1,592,502, G>A on the plus strand (C>T on the coding strand, the complement: IFT140 is on the minus strand). VCF-style: chr16-1592502-G-A. GRCh37 (hg19) VCF-style: chr16-1642503-G-A.
Other names: c.456C>T (NM_014714.3).
Identifiers: ClinVar variation 2073336 (VCV002073336.6), dbSNP rs1413072569, ClinGen allele CA493029155.